The following is an entry in ClinVar:

ClinVar aggregate classification (germline): Likely benign. Review status: criteria provided, multiple submitters, no conflicts (2 of 4 stars). 3 submissions from 3 submitters: Likely benign (3). Last evaluated 2026-09-01.

Conditions:
Methylmalonic acidemia with homocystinuria, type cblX (MAHCX). Also called: INTELLECTUAL DEVELOPMENTAL DISORDER, X-LINKED 3. Identifiers: Orphanet 369962, MedGen C0796208, MONDO:0010657, OMIM 309541.

Allele frequency attached by ClinVar (database versions not stated): gnomAD 0.00003 and 0.00004; gnomAD exomes 0.00003 and 0.00005; TOPMed 0.00003; ExAC 0.00005.
gnomAD v4.1: 32 of 1,198,071 alleles (0.0027%); highest among the groups gnomAD compares: South Asian, 0.028%; no homozygotes.

Submissions (3):

CeGaT Center for Human Genetics Tuebingen
Classification: Likely benign. Last evaluated: 2026-09-01. Review status: criteria provided, single submitter. Criteria: CeGaT Center For Human Genetics Tuebingen Variant Classification Criteria Version 2. Collection method: clinical testing. Allele origin: germline. Affected: yes. Observed: 1 variant allele.
Comment: HCFC1: BP4, BP7, BS2

Labcorp Genetics (formerly Invitae), Labcorp
Classification: Likely benign for Methylmalonic acidemia with homocystinuria, type cblX. Last evaluated: 2024-01-18. Review status: criteria provided, single submitter. Criteria: Invitae Variant Classification Sherloc (09022015). Collection method: clinical testing. Allele origin: germline.

Blueprint Genetics
Classification: Likely benign. Last evaluated: 2023-12-28. Review status: criteria provided, single submitter. Criteria: ACMG Guidelines, 2015. Collection method: clinical testing. Allele origin: germline.

NM_005334.3(HCFC1):c.333C>T (p.Tyr111=)

Gene: HCFC1 (host cell factor C1; minus strand). Cytogenetic location: Xq28.
Variant type: single nucleotide variant.
Coding change: c.333C>T on transcript NM_005334.3 (MANE Select); coding-DNA position 333, C replaced by T.
Protein change: p.Tyr111=; no amino-acid change (tyrosine 111 retained).
Molecular consequence: synonymous variant.
Genome position (GRCh38, 1-based): chrX:153,964,587, G>A on the plus strand (C>T on the coding strand, the complement: HCFC1 is on the minus strand). VCF-style: chrX-153964587-G-A. GRCh37 (hg19) VCF-style: chrX-153230038-G-A.
Identifiers: ClinVar variation 740096 (VCV000740096.13), dbSNP rs782099695, ClinGen allele CA10557704.